The following is an entry in ClinVar:

ClinVar aggregate classification (germline): Uncertain significance. Review status: criteria provided, multiple submitters, no conflicts (2 of 4 stars). 4 submissions from 4 submitters: Uncertain significance (4). Last evaluated 2025-08-30.

Conditions:
MAD2L2-related disorder. Also called: MAD2L2-related condition.

Allele frequency attached by ClinVar (database versions not stated): gnomAD 0.00001; TOPMed 0.00001; ExAC 0.00002; ESP Exome Variant Server 0.00008.
gnomAD v4.1: 28 of 1,613,670 alleles (0.0017%); highest among the groups gnomAD compares: Non-Finnish European, 0.0024%; no homozygotes.

Submissions (4):

Ambry Genetics
Classification: Uncertain significance. Last evaluated: 2025-08-30. Review status: criteria provided, single submitter. Criteria: Ambry Variant Classification Scheme 2023. Collection method: clinical testing. Allele origin: germline.

Labcorp Genetics (formerly Invitae), Labcorp
Classification: Uncertain significance. Last evaluated: 2025-08-19. Review status: criteria provided, single submitter. Criteria: Invitae Variant Classification Sherloc (09022015). Collection method: clinical testing. Allele origin: germline.
Comment: This sequence change replaces threonine, which is neutral and polar, with methionine, which is neutral and non-polar, at codon 67 of the MAD2L2 protein (p.Thr67Met). This variant is present in population databases (rs377687352, gnomAD 0.005%). This variant has not been reported in the literature in individuals affected with MAD2L2-related conditions. ClinVar contains an entry for this variant (Variation ID: 2628926). An algorithm developed to predict the effect of missense changes on protein structure and function (PolyPhen-2) suggests that this variant is likely to be disruptive. In summary, the available evidence is currently insufficient to determine the role of this variant in disease. Therefore, it has been classified as a Variant of Uncertain Significance.

Blueprint Genetics
Classification: Uncertain significance. Last evaluated: 2024-03-19. Review status: criteria provided, single submitter. Criteria: ACMG Guidelines, 2015. Collection method: clinical testing. Allele origin: germline.

PreventionGenetics, part of Exact Sciences
Classification: Uncertain significance for MAD2L2-related condition. Last evaluated: 2022-11-15. Review status: criteria provided, single submitter. Criteria: ACMG Guidelines, 2015. Collection method: clinical testing. Allele origin: germline.
Comment: The MAD2L2 c.200C>T variant is predicted to result in the amino acid substitution p.Thr67Met. To our knowledge, this variant has not been reported in the literature. This variant is reported in 0.0039% of alleles in individuals of European (Non-Finnish) descent in gnomAD. At this time, the clinical significance of this variant is uncertain due to the absence of conclusive functional and genetic evidence.

NM_006341.4(MAD2L2):c.200C>T (p.Thr67Met)

Gene: MAD2L2 (mitotic arrest deficient 2 like 2; minus strand). Cytogenetic location: 1p36.22.
Variant type: single nucleotide variant.
Coding change: c.200C>T on transcript NM_006341.4 (MANE Select); coding-DNA position 200, C replaced by T.
Protein change: p.Thr67Met; replaces threonine 67 with methionine.
Molecular consequence: missense variant.
Genome position (GRCh38, 1-based): chr1:11,677,574, G>A on the plus strand (C>T on the coding strand, the complement: MAD2L2 is on the minus strand). VCF-style: chr1-11677574-G-A. GRCh37 (hg19) VCF-style: chr1-11737631-G-A.
Other names: c.200C>T, p.Thr67Met (NM_001127325.2); short protein forms T67M.
Identifiers: ClinVar variation 2628926 (VCV002628926.5), dbSNP rs377687352, ClinGen allele CA593863.